The following is an entry in ClinVar:

ClinVar aggregate classification (germline): Uncertain significance (1 of 4 stars; one submission).

Submission:

Ambry Genetics
Classification: Uncertain significance. Last evaluated: 2023-07-03. Review status: criteria provided, single submitter. Criteria: Ambry Variant Classification Scheme 2023. Collection method: clinical testing. Allele origin: germline.
Comment: The p.A459P variant (also known as c.1375G>C), located in coding exon 11 of the RECQL gene, results from a G to C substitution at nucleotide position 1375. The alanine at codon 459 is replaced by proline, an amino acid with highly similar properties. This amino acid position is highly conserved in available vertebrate species. In addition, this alteration is predicted to be deleterious by in silico analysis. Since supporting evidence is limited at this time, the clinical significance of this alteration remains unclear.

NM_002907.4(RECQL):c.1375G>C (p.Ala459Pro)

Gene: RECQL (RecQ like helicase; minus strand). Cytogenetic location: 12p12.1.
Variant type: single nucleotide variant.
Coding change: c.1375G>C on transcript NM_002907.4 (MANE Select); coding-DNA position 1375, G replaced by C.
Protein change: p.Ala459Pro; replaces alanine 459 with proline.
Molecular consequence: missense variant.
Genome position (GRCh38, 1-based): chr12:21,473,623, C>G on the plus strand (G>C on the coding strand, the complement: RECQL is on the minus strand). VCF-style: chr12-21473623-C-G. GRCh37 (hg19) VCF-style: chr12-21626557-C-G.
Other names: c.1375G>C, p.Ala459Pro (NM_032941.3); short protein forms A459P.
Identifiers: ClinVar variation 1771145 (VCV001771145.3), dbSNP rs1055710310, ClinGen allele CA384117676.